The following is an entry in ClinVar:

NM_000455.5(STK11):c.113C>T (p.Pro38Leu)

Gene: STK11 (serine/threonine kinase 11; plus strand). Cytogenetic location: 19p13.3.
Variant type: single nucleotide variant.
Coding change: c.113C>T on transcript NM_000455.5 (MANE Select); coding-DNA position 113, C replaced by T.
Protein change: p.Pro38Leu; replaces proline 38 with leucine.
Molecular consequence: missense variant.
Genome position (GRCh38, 1-based): chr19:1,207,026, C>T. VCF-style: chr19-1207026-C-T. GRCh37 (hg19) VCF-style: chr19-1207025-C-T.
Other names: short protein forms P38L.
Identifiers: ClinVar variation 570301 (VCV000570301.26), dbSNP rs1568690036, ClinGen allele CA402943905.

ClinVar aggregate classification (germline): Uncertain significance. Review status: criteria provided, multiple submitters, no conflicts (2 of 4 stars). 7 submissions from 7 submitters: Uncertain significance (7). Last evaluated 2025-07-03.

Conditions:
Hereditary cancer-predisposing syndrome. Also called: Hereditary neoplastic syndrome; Neoplastic Syndromes, Hereditary; Hereditary Cancer Syndrome; Tumor predisposition. Identifiers: Orphanet 140162, MedGen C0027672, MeSH D009386, MONDO:0015356.
Peutz-Jeghers syndrome (PJS). Also called: Peutz-Jeghers polyposis; Periorificial lentiginosis syndrome; POLYPOSIS, HAMARTOMATOUS INTESTINAL; POLYPS-AND-SPOTS SYNDROME. Identifiers: Orphanet 2869, MedGen C0031269, MeSH D010580, MONDO:0008280, OMIM 175200.

Allele frequency attached by ClinVar (database versions not stated): gnomAD exomes below 0.00001.
gnomAD v4.1: 1 of 1,613,766 alleles (0.000062%); highest among the groups gnomAD compares: Non-Finnish European, 0.000085%; no homozygotes.

Submissions (7):

Ambry Genetics
Classification: Uncertain significance for Hereditary cancer-predisposing syndrome. Last evaluated: 2025-07-03. Review status: criteria provided, single submitter. Criteria: Ambry Variant Classification Scheme 2023. Collection method: clinical testing. Allele origin: germline.
Comment: The p.P38L variant (also known as c.113C>T), located in coding exon 1 of the STK11 gene, results from a C to T substitution at nucleotide position 113. The proline at codon 38 is replaced by leucine, an amino acid with similar properties. This amino acid position is highly conserved in available vertebrate species. In addition, the in silico prediction for this alteration is inconclusive. Since supporting evidence is limited at this time, the clinical significance of this alteration remains unclear.

Center for Genomic Medicine, Rigshospitalet, Copenhagen University Hospital
Classification: Uncertain significance. Last evaluated: 2025-03-04. Review status: criteria provided, single submitter. Criteria: ACMG Guidelines, 2015. Collection method: clinical testing. Allele origin: germline.

Labcorp Genetics (formerly Invitae), Labcorp
Classification: Uncertain significance for Peutz-Jeghers syndrome. Last evaluated: 2024-08-01. Review status: criteria provided, single submitter. Criteria: Invitae Variant Classification Sherloc (09022015). Collection method: clinical testing. Allele origin: germline.
Comment: This sequence change replaces proline, which is neutral and non-polar, with leucine, which is neutral and non-polar, at codon 38 of the STK11 protein (p.Pro38Leu). This variant is not present in population databases (gnomAD no frequency). This variant has not been reported in the literature in individuals affected with STK11-related conditions. ClinVar contains an entry for this variant (Variation ID: 570301). Advanced modeling of protein sequence and biophysical properties (such as structural, functional, and spatial information, amino acid conservation, physicochemical variation, residue mobility, and thermodynamic stability) has been performed at Invitae for this missense variant, however the output from this modeling did not meet the statistical confidence thresholds required to predict the impact of this variant on STK11 protein function. In summary, the available evidence is currently insufficient to determine the role of this variant in disease. Therefore, it has been classified as a Variant of Uncertain Significance.

GeneDx
Classification: Uncertain significance. Last evaluated: 2024-05-10. Review status: criteria provided, single submitter. Criteria: GeneDx Variant Classification Process June 2021. Collection method: clinical testing. Allele origin: germline. Affected: yes.
Comment: Not observed at significant frequency in large population cohorts (gnomAD); In silico analysis supports that this missense variant has a deleterious effect on protein structure/function; Has not been previously published as pathogenic or benign to our knowledge

Color Diagnostics, LLC DBA Color Health
Classification: Uncertain significance for Hereditary cancer-predisposing syndrome. Last evaluated: 2024-03-06. Review status: criteria provided, single submitter. Criteria: ACMG Guidelines, 2015. Collection method: clinical testing. Allele origin: germline.
Comment: This missense variant replaces proline with leucine at codon 38 of the STK11 protein. Computational prediction is inconclusive regarding the impact of this variant on protein structure and function (internally defined REVEL score threshold 0.5 < inconclusive < 0.7, PMID: 27666373). To our knowledge, functional studies have not been reported for this variant. This variant has not been reported in individuals affected with hereditary cancer in the literature. This variant has not been identified in the general population by the Genome Aggregation Database (gnomAD). The available evidence is insufficient to determine the role of this variant in disease conclusively. Therefore, this variant is classified as a Variant of Uncertain Significance.

All of Us Research Program, National Institutes of Health
Classification: Uncertain significance for Peutz-Jeghers syndrome. Last evaluated: 2023-05-04. Review status: criteria provided, single submitter. Criteria: ACMG Guidelines, 2015. Collection method: clinical testing. Allele origin: germline. Inheritance: Autosomal dominant inheritance. Observed: 1 variant allele, 1 heterozygote.
Comment: This missense variant replaces proline with leucine at codon 38 of the STK11 protein. Computational prediction is inconclusive regarding the impact of this variant on protein structure and function (internally defined REVEL score threshold 0.5 < inconclusive < 0.7, PMID: 27666373). To our knowledge, functional studies have not been reported for this variant. This variant has not been reported in individuals affected with hereditary cancer in the literature. This variant has not been identified in the general population by the Genome Aggregation Database (gnomAD). The available evidence is insufficient to determine the role of this variant in disease conclusively. Therefore, this variant is classified as a Variant of Uncertain Significance.

This study involves interpretation of variants in research participants for the purpose of population health screening. Participant phenotype was not available at the time of variant classification. Additional details can be found in publication PMID: 35346344, PMCID: PMC8962531

Genome-Nilou Lab
Classification: Uncertain significance for Peutz-Jeghers syndrome. Last evaluated: 2021-07-15. Review status: criteria provided, single submitter. Criteria: ACMG Guidelines, 2015. Collection method: clinical testing. Allele origin: germline. Affected: no.